The following is an entry in ClinVar:

ClinVar aggregate classification (germline): Uncertain significance (1 of 4 stars; one submission).

Conditions:
Developmental and epileptic encephalopathy, 9 (DEE9). Also called: PCDH19-Related X-Linked Female-Limited Epilepsy with Mental Retardation; Early infantile epileptic encephalopathy 9; EPILEPSY, FEMALE-RESTRICTED, WITH MENTAL RETARDATION; JUBERG-HELLMAN SYNDROME. Identifiers: Orphanet 101039, Orphanet 2076, MedGen C1848137, MONDO:0010246, OMIM 300088. Disease mechanism: loss of function.

Allele frequency attached by ClinVar (database versions not stated): gnomAD exomes below 0.00001.
gnomAD v4.1: 1 of 1,212,144 alleles (0.000082%); highest among the groups gnomAD compares: Non-Finnish European, 0.00011%; no homozygotes.

Submission:

Labcorp Genetics (formerly Invitae), Labcorp
Classification: Uncertain significance for Developmental and epileptic encephalopathy, 9. Last evaluated: 2019-04-29. Review status: criteria provided, single submitter. Criteria: Invitae Variant Classification Sherloc (09022015). Collection method: clinical testing. Allele origin: germline.
Comment: In summary, this variant is a novel missense change with uncertain impact on protein function. It has been classified as a Variant of Uncertain Significance. Algorithms developed to predict the effect of missense changes on protein structure and function (SIFT, PolyPhen-2, Align-GVGD) all suggest that this variant is likely to be disruptive, but these predictions have not been confirmed by published functional studies. This variant is not present in population databases (ExAC no frequency) and has not been reported in the literature in individuals with a PCDH19-related disease. This sequence change replaces valine with glutamic acid at codon 493 of the PCDH19 protein (p.Val493Glu). The valine residue is highly conserved and there is a moderate physicochemical difference between valine and glutamic acid.

NM_001184880.2(PCDH19):c.1478T>A (p.Val493Glu)

Gene: PCDH19 (protocadherin 19; minus strand). Cytogenetic location: Xq22.1.
Variant type: single nucleotide variant.
Coding change: c.1478T>A on transcript NM_001184880.2 (MANE Select); coding-DNA position 1478, T replaced by A.
Protein change: p.Val493Glu; replaces valine 493 with glutamic acid.
Molecular consequence: missense variant.
Genome position (GRCh38, 1-based): chrX:100,407,120, A>T on the plus strand (T>A on the coding strand, the complement: PCDH19 is on the minus strand). VCF-style: chrX-100407120-A-T. GRCh37 (hg19) VCF-style: chrX-99662118-A-T.
Other names: c.1478T>A, p.Val493Glu (NM_001105243.2, NM_020766.3); short protein forms V493E.
Identifiers: ClinVar variation 408905 (VCV000408905.11), dbSNP rs1060502177, ClinGen allele CA16616609.
Genomic context (GRCh38, chrX:100,407,120, plus strand): 5'-CCTGAGTTGGGATTGATGGAGACATAGGTGAAGACAGGCATGTCCCGCACCTGCGACGGC[A>T]CGATCTGGTAGGAGACACTGCCGTTGAGACCCAGGTCGGGGTCGCGAGCAGACACAGAGA-3'
Protein context (NP_001171809.1, residues 483-503): GLNGSVSYQI[Val493Glu]PSQVRDMPVF